The following is an entry in ClinVar:

ClinVar aggregate classification (germline): Uncertain significance. Review status: criteria provided, multiple submitters, no conflicts (2 of 4 stars). 2 submissions from 2 submitters: Uncertain significance (2). Last evaluated 2025-09-17.

Conditions:
Aortic valve disease 2 (AOVD2). Identifiers: MedGen C3542024, MONDO:0013902, OMIM 614823.

Allele frequency attached by ClinVar (database versions not stated): gnomAD exomes below 0.00001.
gnomAD v4.1: 3 of 1,613,762 alleles (0.00019%); highest among the groups gnomAD compares: African/African-American, 0.0027%; no homozygotes.

Submissions (2):

Dasa
Classification: Uncertain significance. Last evaluated: 2025-09-17. Review status: criteria provided, single submitter. Criteria: DASA Assertion Criteria. Collection method: clinical testing. Allele origin: germline.
Comment: NM_181486.4(TBX5):c.1165C>T (p.Pro389Ser) is a missense variant that results in the substitution of proline with serine. This variant is rare in population databases. Computational prediction algorithms are consistent with a benign effect. The currently available literature and clinical evidence are not sufficient to establish a definitive association between this variant and the reported condition. Therefore, this variant is classified as a variant of uncertain significance.

Labcorp Genetics (formerly Invitae), Labcorp
Classification: Uncertain significance for Aortic valve disease 2. Last evaluated: 2020-06-26. Review status: criteria provided, single submitter. Criteria: Invitae Variant Classification Sherloc (09022015). Collection method: clinical testing. Allele origin: germline.
Comment: This sequence change replaces proline with serine at codon 389 of the TBX5 protein (p.Pro389Ser). The proline residue is highly conserved and there is a moderate physicochemical difference between proline and serine. In summary, the available evidence is currently insufficient to determine the role of this variant in disease. Therefore, it has been classified as a Variant of Uncertain Significance. Algorithms developed to predict the effect of missense changes on protein structure and function output the following: SIFT: "Deleterious"; PolyPhen-2: "Benign"; Align-GVGD: "Class C65". The serine amino acid residue is found in multiple mammalian species, suggesting that this missense change does not adversely affect protein function. These predictions have not been confirmed by published functional studies and their clinical significance is uncertain. This variant has not been reported in the literature in individuals with TBX5-related conditions. This variant is not present in population databases (ExAC no frequency).

NM_181486.4(TBX5):c.1165C>T (p.Pro389Ser)

Gene: TBX5 (T-box transcription factor 5; minus strand). Cytogenetic location: 12q24.21.
Variant type: single nucleotide variant.
Coding change: c.1165C>T on transcript NM_181486.4 (MANE Select); coding-DNA position 1165, C replaced by T.
Protein change: p.Pro389Ser; replaces proline 389 with serine.
Molecular consequence: missense variant.
Genome position (GRCh38, 1-based): chr12:114,355,924, G>A on the plus strand (C>T on the coding strand, the complement: TBX5 is on the minus strand). VCF-style: chr12-114355924-G-A. GRCh37 (hg19) VCF-style: chr12-114793729-G-A.
Other names: c.1165C>T, p.Pro389Ser (NM_000192.3); c.1015C>T, p.Pro339Ser (NM_080717.4); short protein forms P389S, P339S.
Identifiers: ClinVar variation 1037294 (VCV001037294.10), dbSNP rs1187747905, ClinGen allele CA386925651.
Genomic context (GRCh38, chr12:114,355,924, plus strand): 5'-TGCTGTAGGAAGGCATGCTTGGCCACGTGTTGCAGCTGATGTCCTCTAGGCTGGGCACAG[G>A]CTCGCTGGGGGGCGCAGAGCTGGCATACATGCAAGCTTGCCGCTGTGCCGACTCTGTCCT-3'
Protein context (NP_852259.1, residues 379-399): MYASSAPPSE[Pro389Ser]VPSLEDISCN